The following is an entry in ClinVar:

ClinVar aggregate classification (germline): Benign/Likely benign. Review status: criteria provided, multiple submitters, no conflicts (2 of 4 stars). 4 submissions from 4 submitters: Benign (1); Likely benign (3). Last evaluated 2026-04-27.

Conditions:
GDF1-related disorder. Also called: GDF1-related condition.

Allele frequency attached by ClinVar (database versions not stated): gnomAD exomes 0.00013 and 0.00007; ExAC 0.00017; 1000 Genomes Project 30x 0.00031; gnomAD 0.00007; TOPMed 0.00009.
gnomAD v4.1: 135 of 1,562,656 alleles (0.0086%); highest among the groups gnomAD compares: Middle Eastern, 0.07%; 1 homozygote.

Submissions (4):

Women's Health and Genetics/Laboratory Corporation of America, LabCorp
Classification: Benign. Last evaluated: 2026-04-27. Review status: criteria provided, single submitter. Criteria: LabCorp Variant Classification Summary - May 2015. Collection method: clinical testing. Allele origin: germline.

PreventionGenetics, part of Exact Sciences
Classification: Likely benign for GDF1-related condition. Last evaluated: 2026-04-12. Review status: criteria provided, single submitter. Criteria: ACMG Guidelines, 2015. Collection method: clinical testing. Allele origin: germline.
Comment: This variant is classified as likely benign based on ACMG/AMP sequence variant interpretation guidelines (Richards et al. 2015 PMID: 25741868, with internal and published modifications).

Labcorp Genetics (formerly Invitae), Labcorp
Classification: Likely benign. Last evaluated: 2025-12-17. Review status: criteria provided, single submitter. Criteria: Invitae Variant Classification Sherloc (09022015). Collection method: clinical testing. Allele origin: germline.

Blueprint Genetics
Classification: Likely benign. Last evaluated: 2024-11-08. Review status: criteria provided, single submitter. Criteria: ACMG Guidelines, 2015. Collection method: clinical testing. Allele origin: germline.

NM_001492.6(GDF1):c.159C>T (p.Pro53=)

Genes: CERS1 (ceramide synthase 1; minus strand), GDF1 (growth differentiation factor 1; minus strand). Cytogenetic location: 19p13.11.
Variant type: single nucleotide variant.
Coding change: c.159C>T on transcript NM_001492.6 (MANE Select); coding-DNA position 159, C replaced by T.
Protein change: p.Pro53=; no amino-acid change (proline 53 retained).
Molecular consequence: synonymous variant. On other transcripts: 3 prime UTR variant (2).
Genome position (GRCh38, 1-based): chr19:18,870,149, G>A on the plus strand (C>T on the coding strand, the complement: GDF1 is on the minus strand). VCF-style: chr19-18870149-G-A. GRCh37 (hg19) VCF-style: chr19-18980958-G-A.
Other names: c.*428C>T (NM_001387440.1, NM_021267.5); c.159C>T, p.Pro53= (NM_001387438.1).
Identifiers: ClinVar variation 539308 (VCV000539308.13), dbSNP rs755093676, ClinGen allele CA9318009.